The following is an entry in ClinVar:

ClinVar aggregate classification (germline): Uncertain significance (1 of 4 stars; one submission).

Conditions:
Immunodeficiency, common variable, 7. Identifiers: Orphanet 1572, Orphanet 696894, MedGen C3542922, MONDO:0013862, OMIM 614699.

Allele frequency attached by ClinVar (database versions not stated): gnomAD exomes below 0.00001; gnomAD 0.00001.

Submission:

Labcorp Genetics (formerly Invitae), Labcorp
Classification: Uncertain significance for Immunodeficiency, common variable, 7. Last evaluated: 2022-08-19. Review status: criteria provided, single submitter. Criteria: Invitae Variant Classification Sherloc (09022015). Collection method: clinical testing. Allele origin: germline.
Comment: Algorithms developed to predict the effect of missense changes on protein structure and function (SIFT, PolyPhen-2, Align-GVGD) all suggest that this variant is likely to be tolerated. In summary, the available evidence is currently insufficient to determine the role of this variant in disease. Therefore, it has been classified as a Variant of Uncertain Significance. ClinVar contains an entry for this variant (Variation ID: 1510271). This variant has not been reported in the literature in individuals affected with CR2-related conditions. This variant is present in population databases (no rsID available, gnomAD 0.008%). This sequence change replaces threonine, which is neutral and polar, with isoleucine, which is neutral and non-polar, at codon 106 of the CR2 protein (p.Thr106Ile).

NM_001006658.3(CR2):c.317C>T (p.Thr106Ile)

Gene: CR2 (complement C3d receptor 2; plus strand). Cytogenetic location: 1q32.2.
Variant type: single nucleotide variant.
Coding change: c.317C>T on transcript NM_001006658.3 (MANE Select); coding-DNA position 317, C replaced by T.
Protein change: p.Thr106Ile; replaces threonine 106 with isoleucine.
Molecular consequence: missense variant.
Genome position (GRCh38, 1-based): chr1:207,466,784, C>T. VCF-style: chr1-207466784-C-T. GRCh37 (hg19) VCF-style: chr1-207640129-C-T.
Other names: c.317C>T, p.Thr106Ile (NM_001877.5); short protein forms T106I.
Identifiers: ClinVar variation 1510271 (VCV001510271.8), dbSNP rs1279283315, ClinGen allele CA344523526.
Genomic context (GRCh38, chr1:207,466,784, plus strand): 5'-ATAAATATTCTTCTTGCCCTGAGCCCATAGTACCAGGAGGATACAAAATTAGAGGCTCTA[C>T]ACCCTACAGACATGGTGATTCTGTGACATTTGCCTGTAAAACCAACTTCTCCATGAACGG-3'
Protein context (NP_001006659.1, residues 96-116): VPGGYKIRGS[Thr106Ile]PYRHGDSVTF